The following is an entry in ClinVar:

ClinVar aggregate classification (germline): Uncertain significance (1 of 4 stars; one submission).

Conditions:
Hereditary cancer-predisposing syndrome. Also called: Neoplastic Syndromes, Hereditary; Tumor predisposition; Hereditary neoplastic syndrome; Hereditary Cancer Syndrome. Identifiers: Orphanet 140162, MedGen C0027672, MeSH D009386, MONDO:0015356.

Submission:

Ambry Genetics
Classification: Uncertain significance for Hereditary cancer-predisposing syndrome. Last evaluated: 2026-07-06. Review status: criteria provided, single submitter. Criteria: Ambry Variant Classification Scheme 2023. Collection method: clinical testing. Allele origin: germline.
Comment: The p.D1425Y variant (also known as c.4273G>T), located in coding exon 15 of the APC gene, results from a G to T substitution at nucleotide position 4273. The aspartic acid at codon 1425 is replaced by tyrosine, an amino acid with highly dissimilar properties. This amino acid position is conserved. In addition, in silico predictors for this gene do not accurately predict pathogenicity. Based on the available evidence, the clinical significance of this variant remains unclear.

NM_000038.6(APC):c.4273G>T (p.Asp1425Tyr)

Gene: APC (APC regulator of Wnt signaling pathway; plus strand). Cytogenetic location: 5q22.2.
Variant type: single nucleotide variant.
Coding change: c.4273G>T on transcript NM_000038.6 (MANE Select); coding-DNA position 4273, G replaced by T.
Protein change: p.Asp1425Tyr; replaces aspartic acid 1425 with tyrosine.
Molecular consequence: missense variant. On other transcripts: non-coding transcript variant (2).
Genome position (GRCh38, 1-based): chr5:112,839,867, G>T. VCF-style: chr5-112839867-G-T. GRCh37 (hg19) VCF-style: chr5-112175564-G-T.
Other names: c.4273G>T, p.Asp1425Tyr (NM_001127510.3, NM_001354895.2, NM_001407450.1); c.4219G>T, p.Asp1407Tyr (NM_001127511.3); c.4327G>T, p.Asp1443Tyr (NM_001354896.2, NM_001407447.1, NM_001407448.1 and 1 more transcripts); c.4303G>T, p.Asp1435Tyr (NM_001354897.2); c.4198G>T, p.Asp1400Tyr (NM_001354898.2); c.4189G>T, p.Asp1397Tyr (NM_001354899.2); c.4150G>T, p.Asp1384Tyr (NM_001354900.2); c.4096G>T, p.Asp1366Tyr (NM_001354901.2, NM_001407453.1); and 11 more; short protein forms D1265Y, D1299Y, D1334Y, D1342Y, D1384Y, D1443Y, D1453Y, D1041Y.
Identifiers: ClinVar variation 5024988 (VCV005024988.1).